The following is an entry in ClinVar:

ClinVar aggregate classification (germline): Uncertain significance. Review status: criteria provided, multiple submitters, no conflicts (2 of 4 stars). 2 submissions from 2 submitters: Uncertain significance (2). Last evaluated 2024-12-09.

Conditions:
Hereditary spastic paraplegia 73. Also called: Spastic paraplegia 73, autosomal dominant. Identifiers: Orphanet 444099, MedGen C5568981, MONDO:0014568, OMIM 616282.

Allele frequency attached by ClinVar (database versions not stated): TOPMed below 0.00001; gnomAD exomes 0.00001; ExAC 0.00002.
gnomAD v4.1: 7 of 1,613,898 alleles (0.00043%); highest among the groups gnomAD compares: Admixed American, 0.0067%; no homozygotes.

Submissions (2):

Labcorp Genetics (formerly Invitae), Labcorp
Classification: Uncertain significance for Hereditary spastic paraplegia 73. Last evaluated: 2024-12-09. Review status: criteria provided, single submitter. Criteria: Invitae Variant Classification Sherloc (09022015). Collection method: clinical testing. Allele origin: germline.
Comment: This sequence change replaces isoleucine, which is neutral and non-polar, with valine, which is neutral and non-polar, at codon 516 of the CPT1C protein (p.Ile516Val). This variant is present in population databases (rs781649671, gnomAD 0.009%). This variant has not been reported in the literature in individuals affected with CPT1C-related conditions. ClinVar contains an entry for this variant (Variation ID: 2154571). Invitae Evidence Modeling of protein sequence and biophysical properties (such as structural, functional, and spatial information, amino acid conservation, physicochemical variation, residue mobility, and thermodynamic stability) indicates that this missense variant is not expected to disrupt CPT1C protein function with a negative predictive value of 80%. In summary, the available evidence is currently insufficient to determine the role of this variant in disease. Therefore, it has been classified as a Variant of Uncertain Significance.

Ambry Genetics
Classification: Uncertain significance. Last evaluated: 2024-12-05. Review status: criteria provided, single submitter. Criteria: Ambry Variant Classification Scheme 2023. Collection method: clinical testing. Allele origin: germline.

NM_001199753.2(CPT1C):c.1579A>G (p.Ile527Val)

Gene: CPT1C (carnitine palmitoyltransferase 1C; plus strand). Cytogenetic location: 19q13.33.
Variant type: single nucleotide variant.
Coding change: c.1579A>G on transcript NM_001199753.2 (MANE Select); coding-DNA position 1579, A replaced by G.
Protein change: p.Ile527Val; replaces isoleucine 527 with valine.
Molecular consequence: missense variant. On other transcripts: non-coding transcript variant (1).
Genome position (GRCh38, 1-based): chr19:49,710,332, A>G. VCF-style: chr19-49710332-A-G. GRCh37 (hg19) VCF-style: chr19-50213589-A-G.
Other names: c.1546A>G, p.Ile516Val (NM_001136052.3, NM_001378485.1, NM_001378487.1); c.1579A>G, p.Ile527Val (NM_001199752.3, NM_001378483.1, NM_001378484.1 and 3 more transcripts); c.1645A>G, p.Ile549Val (NM_001378482.1); c.1579A>G (NM_001199752.1); short protein forms I516V, I549V, I527V.
Identifiers: ClinVar variation 2154571 (VCV002154571.5), dbSNP rs781649671, ClinGen allele CA9582236.
Genomic context (GRCh38, chr19:49,710,332, plus strand): 5'-ACCCCCATCTGTAACCCCAACTACTCCTCTTCCCTCCTCCTCTGGCAGATCCACTCCTCC[A>G]TCTCTCTAGCCCTGAGGGGAGCCAAGATCTTGTCTGAAAATGTCGACTGCCATGTCGTTC-3'
Protein context (NP_001186682.1, residues 517-537): WDLPDQIHSS[Ile527Val]SLALRGAKIL